The following is an entry in ClinVar:

NM_016938.5(EFEMP2):c.1280G>A (p.Arg427Gln)

Genes: EFEMP2 (EGF containing fibulin extracellular matrix protein 2; minus strand), MUS81 (MUS81 structure-specific endonuclease subunit; plus strand). Cytogenetic location: 11q13.1.
Variant type: single nucleotide variant.
Coding change: c.1280G>A on transcript NM_016938.5 (MANE Select); coding-DNA position 1280, G replaced by A.
Protein change: p.Arg427Gln; replaces arginine 427 with glutamine.
Molecular consequence: missense variant. On other transcripts: non-coding transcript variant (1).
Genome position (GRCh38, 1-based): chr11:65,866,970, C>T on the plus strand (G>A on the coding strand, the complement: EFEMP2 is on the minus strand). VCF-style: chr11-65866970-C-T. GRCh37 (hg19) VCF-style: chr11-65634441-C-T.
Other names: short protein forms R427Q.
Identifiers: ClinVar variation 1767857 (VCV001767857.2), dbSNP rs766995796, ClinGen allele CA6110349.

ClinVar aggregate classification (germline): Uncertain significance (1 of 4 stars; one submission).

Conditions:
Cardiovascular phenotype. Identifiers: MedGen CN230736.

Allele frequency attached by ClinVar (database versions not stated): gnomAD 0.00001; TOPMed 0.00002.
gnomAD v4.1: 21 of 1,614,046 alleles (0.0013%); highest among the groups gnomAD compares: Admixed American, 0.012%; no homozygotes.

Submission:

Ambry Genetics
Classification: Uncertain significance for Cardiovascular phenotype. Last evaluated: 2022-04-11. Review status: criteria provided, single submitter. Criteria: Ambry Variant Classification Scheme 2023. Collection method: clinical testing. Allele origin: germline.
Comment: The p.R427Q variant (also known as c.1280G>A), located in coding exon 10 of the EFEMP2 gene, results from a G to A substitution at nucleotide position 1280. The arginine at codon 427 is replaced by glutamine, an amino acid with highly similar properties. This amino acid position is conserved. In addition, this alteration is predicted to be tolerated by in silico analysis. Since supporting evidence is limited at this time, the clinical significance of this alteration remains unclear.